The following is an entry in ClinVar:

ClinVar aggregate classification (germline): Pathogenic (1 of 4 stars; one submission).

Conditions:
Marfan syndrome (MFS). Also called: MARFAN SYNDROME, TYPE I; Marfan syndrome type 1; Marfan's syndrome; Marfan syndrome, classic; FBN1-Related Marfan Syndrome. Identifiers: Orphanet 284963, Orphanet 558, MedGen C0024796, MONDO:0007947, OMIM 154700.
Familial thoracic aortic aneurysm and aortic dissection (TAAD). Also called: Thoracic aortic aneurysms and dissections. Identifiers: Orphanet 91387, MedGen C4707243, MONDO:0019625.

Submission:

Labcorp Genetics (formerly Invitae), Labcorp
Classification: Pathogenic for Marfan syndrome; Familial thoracic aortic aneurysm and aortic dissection. Last evaluated: 2026-01-05. Review status: criteria provided, single submitter. Criteria: Invitae Variant Classification Sherloc (09022015). Collection method: clinical testing. Allele origin: germline.
Comment: This sequence change creates a premature translational stop signal (p.His2374Glnfs*3) in the FBN1 gene. It is expected to result in an absent or disrupted protein product. Loss-of-function variants in FBN1 are known to be pathogenic (PMID: 17657824, 19293843). This variant is not present in population databases (gnomAD no frequency). This variant has not been reported in the literature in individuals affected with FBN1-related conditions. ClinVar contains an entry for this variant (Variation ID: 3755277). For these reasons, this variant has been classified as Pathogenic.

Literature cited by the submitters: PubMed 17657824; PubMed 19293843.

NM_000138.5(FBN1):c.7121dup (p.His2374fs)

Gene: FBN1 (fibrillin 1; minus strand). Cytogenetic location: 15q21.1.
Variant type: Duplication.
Coding change: c.7121dup on transcript NM_000138.5 (MANE Select); coding-DNA position 7121, one base duplicated (A; older notation c.7121dupA).
Protein change: p.His2374fs; shifts the reading frame from histidine 2374.
Molecular consequence: frameshift variant.
Genome position (GRCh38, 1-based): chr15:48,427,650, T duplicated on the plus strand (A on the coding strand, the reverse complement: FBN1 is on the minus strand). VCF-style (leftmost placement, unchanged base first): chr15-48427649-G-GT. GRCh37 (hg19) VCF-style: chr15-48719846-G-GT.
Other names: c.7121dup, p.His2374fs (NM_001406716.1); short protein forms H2374fs.
Identifiers: ClinVar variation 3755277 (VCV003755277.2).
Genomic context (GRCh38, chr15:48,427,649, plus strand): 5'-TCGGCCATGGGGACAGAGTTTCTTGAAAGCCACAGTCCCCTGGAAAGGGCAGATCTCACA[G>GT]TGGGGACCCCAGCCTCTCCCTCCGTCACAGCAGCATTCCGATTTGGTGACGGGGTTCCTG-3'